The following is an entry in ClinVar:

ClinVar aggregate classification (germline): Uncertain significance (1 of 4 stars; one submission).

Submission:

Women's Health and Genetics/Laboratory Corporation of America, LabCorp
Classification: Uncertain significance. Last evaluated: 2025-04-15. Review status: criteria provided, single submitter. Criteria: LabCorp Variant Classification Summary - May 2015. Collection method: clinical testing. Allele origin: germline.
Comment: Variant summary: KMT2A c.9107T>C (p.Val3036Ala) results in a non-conservative amino acid change in the encoded protein sequence. Four of five in-silico tools predict a damaging effect of the variant on protein function. The variant was absent in 251452 control chromosomes (gnomAD). The available data on variant occurrences in the general population are insufficient to allow any conclusion about variant significance. To our knowledge, no occurrence of c.9107T>C in individuals affected with Wiedemann-Steiner Syndrome and no experimental evidence demonstrating its impact on protein function have been reported. No submitters have cited clinical-significance assessments for this variant to ClinVar. Based on the evidence outlined above, the variant was classified as uncertain significance.

NM_001197104.2(KMT2A):c.9107T>C (p.Val3036Ala)

Gene: KMT2A (lysine methyltransferase 2A; plus strand). Cytogenetic location: 11q23.3.
Variant type: single nucleotide variant.
Coding change: c.9107T>C on transcript NM_001197104.2 (MANE Select); coding-DNA position 9107, T replaced by C.
Protein change: p.Val3036Ala; replaces valine 3036 with alanine.
Molecular consequence: missense variant.
Genome position (GRCh38, 1-based): chr11:118,504,999, T>C. VCF-style: chr11-118504999-T-C. GRCh37 (hg19) VCF-style: chr11-118375714-T-C.
Other names: c.9197T>C, p.Val3066Ala (NM_001412597.1); c.9098T>C, p.Val3033Ala (NM_005933.4); short protein forms V3033A, V3036A, V3066A.
Identifiers: ClinVar variation 3896278 (VCV003896278.2).